The following is an entry in ClinVar:

NM_014588.6(VSX1):c.628-4C>G

Gene: VSX1 (visual system homeobox 1; minus strand). Cytogenetic location: 20p11.21.
Variant type: single nucleotide variant.
Coding change: c.628-4C>G on transcript NM_014588.6 (MANE Select); 4 bases into the intron before coding-DNA position 628, C replaced by G.
Molecular consequence: intron variant. On other transcripts: 5 prime UTR variant (1), non-coding transcript variant (3).
Genome position (GRCh38, 1-based): chr20:25,077,869, G>C on the plus strand (C>G on the coding strand, the complement: VSX1 is on the minus strand). VCF-style: chr20-25077869-G-C. GRCh37 (hg19) VCF-style: chr20-25058505-G-C.
Other names: c.-70C>G (NM_001378633.1); c.627+960C>G (NM_001256271.2); c.628-4C>G (NM_001256272.2).
Identifiers: ClinVar variation 3621386 (VCV003621386.2).

ClinVar aggregate classification (germline): Uncertain significance (1 of 4 stars; one submission).

gnomAD v4.1: 4 of 1,551,646 alleles (0.00026%); highest among the groups gnomAD compares: Non-Finnish European, 0.00035%; no homozygotes.

Submission:

Labcorp Genetics (formerly Invitae), Labcorp
Classification: Uncertain significance. Last evaluated: 2024-02-02. Review status: criteria provided, single submitter. Criteria: Invitae Variant Classification Sherloc (09022015). Collection method: clinical testing. Allele origin: germline.
Comment: This sequence change falls in intron 3 of the VSX1 gene. It does not directly change the encoded amino acid sequence of the VSX1 protein. This variant is not present in population databases (gnomAD no frequency). This variant has not been reported in the literature in individuals affected with VSX1-related conditions. Algorithms developed to predict the effect of sequence changes on RNA splicing suggest that this variant may create or strengthen a splice site. In summary, the available evidence is currently insufficient to determine the role of this variant in disease. Therefore, it has been classified as a Variant of Uncertain Significance.